The following is an entry in ClinVar:

ClinVar aggregate classification (germline): Pathogenic (1 of 4 stars; one submission).

Conditions:
Nemaline myopathy 2 (NEM2). Also called: Nemaline myopathy 2, autosomal recessive. Identifiers: MedGen C1850569, MONDO:0009725, OMIM 256030.

Submission:

Labcorp Genetics (formerly Invitae), Labcorp
Classification: Pathogenic for Nemaline myopathy 2. Last evaluated: 2022-05-04. Review status: criteria provided, single submitter. Criteria: Invitae Variant Classification Sherloc (09022015). Collection method: clinical testing. Allele origin: germline.
Comment: For these reasons, this variant has been classified as Pathogenic. Algorithms developed to predict the effect of sequence changes on RNA splicing suggest that this variant may create or strengthen a splice site. This variant has not been reported in the literature in individuals affected with NEB-related conditions. This variant is not present in population databases (gnomAD no frequency). This sequence change creates a premature translational stop signal (p.Tyr458*) in the NEB gene. It is expected to result in an absent or disrupted protein product. Loss-of-function variants in NEB are known to be pathogenic (PMID: 25205138).

Literature cited by the submitters: PubMed 25205138.

NM_001164508.2(NEB):c.1374C>G (p.Tyr458Ter)

Gene: NEB (nebulin; minus strand). Cytogenetic location: 2q23.3.
Variant type: single nucleotide variant.
Coding change: c.1374C>G on transcript NM_001164508.2 (MANE Select); coding-DNA position 1374, C replaced by G.
Protein change: p.Tyr458Ter; replaces tyrosine 458 with a stop codon.
Molecular consequence: nonsense.
Genome position (GRCh38, 1-based): chr2:151,697,244, G>C on the plus strand (C>G on the coding strand, the complement: NEB is on the minus strand). VCF-style: chr2-151697244-G-C. GRCh37 (hg19) VCF-style: chr2-152553758-G-C.
Other names: c.1374C>G, p.Tyr458Ter (NM_001164507.2, NM_001271208.2, NM_004543.5); short protein forms Y458*.
Identifiers: ClinVar variation 2133552 (VCV002133552.4), dbSNP rs1362599473, ClinGen allele CA348825507.
Genomic context (GRCh38, chr2:151,697,244, plus strand): 5'-TTCTTGAGTTATGGTCTGAGGGAAGAAGCCTTTGCCTCTGTCTTCTTCGTATTCTGCTTT[G>C]TAGTTTTTCTATGAGGAGAAGAAATTAGGCATAAGATGCAGCCATTGTATTCATGCCCTG-3'